The following is an entry in ClinVar:

NM_005219.5(DIAPH1):c.1727T>C (p.Val576Ala)

Gene: DIAPH1 (diaphanous related formin 1; minus strand). Cytogenetic location: 5q31.3.
Variant type: single nucleotide variant.
Coding change: c.1727T>C on transcript NM_005219.5 (MANE Select); coding-DNA position 1727, T replaced by C.
Protein change: p.Val576Ala; replaces valine 576 with alanine.
Molecular consequence: missense variant.
Genome position (GRCh38, 1-based): chr5:141,574,123, A>G on the plus strand (T>C on the coding strand, the complement: DIAPH1 is on the minus strand). VCF-style: chr5-141574123-A-G. GRCh37 (hg19) VCF-style: chr5-140953690-A-G.
Other names: c.1700T>C, p.Val567Ala (NM_001079812.3); c.1727T>C, p.Val576Ala (NM_001314007.2); short protein forms V567A, V576A.
Identifiers: ClinVar variation 2199333 (VCV002199333.4), dbSNP rs2513742503, ClinGen allele CA361521762.

ClinVar aggregate classification (germline): Uncertain significance (1 of 4 stars; one submission).

Conditions:
Autosomal dominant nonsyndromic hearing loss 1. Also called: DEAFNESS, AUTOSOMAL DOMINANT 1, WITH OR WITHOUT THROMBOCYTOPENIA; KONIGSMARK SYNDROME. Identifiers: Orphanet 90635, MedGen C1852282, MONDO:0007424, OMIM 124900.
Progressive microcephaly-seizures-cortical blindness-developmental delay syndrome. Also called: Seizures, cortical blindness, and microcephaly syndrome. Identifiers: Orphanet 477814, MedGen C5567650, MONDO:0014714, OMIM 616632.

Submission:

Labcorp Genetics (formerly Invitae), Labcorp
Classification: Uncertain significance for Progressive microcephaly-seizures-cortical blindness-developmental delay syndrome; Autosomal dominant nonsyndromic hearing loss 1. Last evaluated: 2025-02-17. Review status: criteria provided, single submitter. Criteria: Invitae Variant Classification Sherloc (09022015). Collection method: clinical testing. Allele origin: germline.
Comment: This sequence change replaces valine, which is neutral and non-polar, with alanine, which is neutral and non-polar, at codon 576 of the DIAPH1 protein (p.Val576Ala). This variant is not present in population databases (gnomAD no frequency). This variant has not been reported in the literature in individuals affected with DIAPH1-related conditions. ClinVar contains an entry for this variant (Variation ID: 2199333). An algorithm developed to predict the effect of missense changes on protein structure and function outputs the following: PolyPhen-2: "Not Available". The alanine amino acid residue is found in multiple mammalian species, which suggests that this missense change does not adversely affect protein function. In summary, the available evidence is currently insufficient to determine the role of this variant in disease. Therefore, it has been classified as a Variant of Uncertain Significance.